The following is an entry in ClinVar:

NM_019892.6(INPP5E):c.1091C>T (p.Ser364Phe)

Gene: INPP5E (inositol polyphosphate-5-phosphatase E; minus strand). Cytogenetic location: 9q34.3.
Variant type: single nucleotide variant.
Coding change: c.1091C>T on transcript NM_019892.6 (MANE Select); coding-DNA position 1091, C replaced by T.
Protein change: p.Ser364Phe; replaces serine 364 with phenylalanine.
Molecular consequence: missense variant.
Genome position (GRCh38, 1-based): chr9:136,433,223, G>A on the plus strand (C>T on the coding strand, the complement: INPP5E is on the minus strand). VCF-style: chr9-136433223-G-A. GRCh37 (hg19) VCF-style: chr9-139327675-G-A.
Other names: c.1091C>T, p.Ser364Phe (NM_001318502.2); c.1091C>T (NM_019892.5); short protein forms S364F.
Identifiers: ClinVar variation 857133 (VCV000857133.12), dbSNP rs536052523, ClinGen allele CA5336953.
Genomic context (GRCh38, chr9:136,433,223, plus strand): 5'-AACCAGATGAGGTCCCTGCGGATGAAGAGCGACATGTAGAGCACGCCGTGGGCCGCCGAG[G>A]ACAGCAGCACATAGTGCGGGCCCAGCGTCTCCTGCAGACGAGTCTCCCACTCCCGCCTGC-3'
Protein context (NP_063945.2, residues 354-374): ETLGPHYVLL[Ser364Phe]SAAHGVLYMS

ClinVar aggregate classification (germline): Conflicting classifications of pathogenicity. Review status: criteria provided, conflicting classifications (1 of 4 stars). 3 submissions from 3 submitters: Uncertain significance (1); Likely benign (2). Last evaluated 2026-08-04.

Conditions:
INPP5E-related disorder. Also called: INPP5E-related condition.
Joubert syndrome. Also called: Familial aplasia of the vermis; JOUBERT-BOLTSHAUSER SYNDROME. Identifiers: Orphanet 475, MedGen C5979921, MONDO:0018772.

Allele frequency attached by ClinVar (database versions not stated): gnomAD 0.00001 and 0.00003; gnomAD exomes 0.00002 and 0.00006; TOPMed 0.00003; ExAC 0.00004; 1000 Genomes Project 30x 0.00016; 1000 Genomes Project 0.00020.
gnomAD v4.1: 30 of 1,594,810 alleles (0.0019%); highest among the groups gnomAD compares: East Asian, 0.058%; no homozygotes.

Submissions (3):

PreventionGenetics, part of Exact Sciences
Classification: Uncertain significance for INPP5E-related condition. Last evaluated: 2026-08-04. Review status: criteria provided, single submitter. Criteria: ACMG Guidelines, 2015. Collection method: clinical testing. Allele origin: germline.
Comment: The INPP5E c.1091C>T variant is predicted to result in the amino acid substitution p.Ser364Phe. To our knowledge, this variant has not been reported in the literature. This variant is reported in 0.076% of alleles in individuals of East Asian descent in gnomAD. Although we suspect that this variant may be benign, at this time, the clinical significance of this variant is uncertain due to the absence of conclusive functional and genetic evidence.

Labcorp Genetics (formerly Invitae), Labcorp
Classification: Likely benign for Joubert syndrome. Last evaluated: 2026-01-24. Review status: criteria provided, single submitter. Criteria: Invitae Variant Classification Sherloc (09022015). Collection method: clinical testing. Allele origin: germline.

Blueprint Genetics
Classification: Likely benign. Last evaluated: 2024-01-15. Review status: criteria provided, single submitter. Criteria: ACMG Guidelines, 2015. Collection method: clinical testing. Allele origin: germline.